The following is an entry in ClinVar:

ClinVar aggregate classification (germline): Likely pathogenic (1 of 4 stars; one submission).

Conditions:
Intellectual developmental disorder, autosomal dominant 46. Also called: Intellectual disability, autosomal dominant 46; MENTAL RETARDATION, AUTOSOMAL DOMINANT 46. Identifiers: MedGen C4539851, MONDO:0030911, OMIM 617601.

gnomAD v4.1: 2 of 1,614,196 alleles (0.00012%); highest among the groups gnomAD compares: Non-Finnish European, 0.00017%; no homozygotes.

Submission:

Athena Diagnostics
Classification: Likely pathogenic for Intellectual developmental disorder, autosomal dominant 46. Last evaluated: 2021-02-12. Review status: criteria provided, single submitter. Criteria: Athena Diagnostics Criteria. Collection method: clinical testing. Allele origin: germline.
Comment: This variant is expected to result in the loss of a functional protein. Currently only missense variants have been reported in this gene in the published literature (PMID: 28669405, 30904718, 30525188). Therefore there is limited information on the potential impact of loss-of-function variants in this gene. The frequency of this variant in the general population is uninformative in assessment of its pathogenicity.

NM_019842.4(KCNQ5):c.1408C>T (p.Arg470Ter)

Gene: KCNQ5 (potassium voltage-gated channel subfamily Q member 5; plus strand). Cytogenetic location: 6q13.
Variant type: single nucleotide variant.
Coding change: c.1408C>T on transcript NM_019842.4 (MANE Select); coding-DNA position 1408, C replaced by T.
Protein change: p.Arg470Ter; replaces arginine 470 with a stop codon.
Molecular consequence: nonsense. On other transcripts: intron variant (1).
Genome position (GRCh38, 1-based): chr6:73,133,581, C>T. VCF-style: chr6-73133581-C-T. GRCh37 (hg19) VCF-style: chr6-73843304-C-T.
Other names: c.1381C>T, p.Arg461Ter (NM_001160130.2); c.1438C>T, p.Arg480Ter (NM_001160132.2); c.1465C>T, p.Arg489Ter (NM_001160133.2); c.1247+9069C>T (NM_001160134.2); short protein forms R489*, R461*, R470*, R480*.
Identifiers: ClinVar variation 3572863 (VCV003572863.1).